The following is an entry in ClinVar:

ClinVar aggregate classification (germline): Pathogenic (1 of 4 stars; one submission).

Conditions:
Hypohidrotic X-linked ectodermal dysplasia (XHED). Also called: Christ-Siemans-Touraine syndrome; ECTODERMAL DYSPLASIA 1; Ectodermal Dysplasia 1, Anhidrotic; ECTODERMAL DYSPLASIA, HYPOHIDROTIC, 1; CST SYNDROME; Anhidrotic ectodermal dysplasia X-linked. Identifiers: Orphanet 181, Orphanet 238468, MedGen C0162359, MONDO:0010585, OMIM 305100.

Submission:

Labcorp Genetics (formerly Invitae), Labcorp
Classification: Pathogenic for Hypohidrotic X-linked ectodermal dysplasia. Last evaluated: 2021-05-08. Review status: criteria provided, single submitter. Criteria: Invitae Variant Classification Sherloc (09022015). Collection method: clinical testing. Allele origin: germline.
Comment: For these reasons, this variant has been classified as Pathogenic. Advanced modeling of protein sequence and biophysical properties (such as structural, functional, and spatial information, amino acid conservation, physicochemical variation, residue mobility, and thermodynamic stability) performed at Invitae indicates that this missense variant is expected to disrupt EDA protein function. This variant has been observed in individual(s) with EDA-related conditions (PMID: 25846883). It has also been observed to segregate with disease in related individuals. This variant is not present in population databases (ExAC no frequency). This sequence change replaces proline with leucine at codon 220 of the EDA protein (p.Pro220Leu). The proline residue is highly conserved and there is a moderate physicochemical difference between proline and leucine.

Literature cited by the submitters: PubMed 25846883.

NM_001399.5(EDA):c.659C>T (p.Pro220Leu)

Gene: EDA (ectodysplasin A; plus strand). Cytogenetic location: Xq13.1.
Variant type: single nucleotide variant.
Coding change: c.659C>T on transcript NM_001399.5 (MANE Select); coding-DNA position 659, C replaced by T.
Protein change: p.Pro220Leu; replaces proline 220 with leucine.
Molecular consequence: missense variant.
Genome position (GRCh38, 1-based): chrX:70,027,989, C>T. VCF-style: chrX-70027989-C-T. GRCh37 (hg19) VCF-style: chrX-69247839-C-T.
Other names: c.659C>T, p.Pro220Leu (NM_001005609.2, NM_001005612.3); short protein forms P220L.
Identifiers: ClinVar variation 1459730 (VCV001459730.8), dbSNP rs2147509932, ClinGen allele CA413448444.